The following is an entry in ClinVar:

NM_005045.4(RELN):c.5614+161G>T

Gene: RELN (reelin; minus strand). Cytogenetic location: 7q22.1.
Variant type: single nucleotide variant.
Coding change: c.5614+161G>T on transcript NM_005045.4 (MANE Select); 161 bases into the intron after coding-DNA position 5614, G replaced by T.
Molecular consequence: intron variant.
Genome position (GRCh38, 1-based): chr7:103,557,804, C>A on the plus strand (G>T on the coding strand, the complement: RELN is on the minus strand). VCF-style: chr7-103557804-C-A. GRCh37 (hg19) VCF-style: chr7-103198251-C-A.
Other names: c.5614+161G>T (NM_173054.3).
Identifiers: ClinVar variation 669133 (VCV000669133.2), dbSNP rs6964157, ClinGen allele CA16309848.

ClinVar aggregate classification (germline): Benign. Review status: criteria provided, multiple submitters, no conflicts (2 of 4 stars). 2 submissions from 2 submitters: Benign (2). Last evaluated 2018-06-19.

Allele frequency attached by ClinVar (database versions not stated): 1000 Genomes Project 0.21446; 1000 Genomes Project 30x 0.21580; gnomAD 0.25440 and 0.25878; TOPMed 0.25619.
gnomAD v4.1: 38,630 of 151,950 alleles (25%); highest among the groups gnomAD compares: Middle Eastern, 34%; 5,068 homozygotes.

Submissions (2):

GeneDx
Classification: Benign. Last evaluated: 2018-06-19. Review status: criteria provided, single submitter. Criteria: GeneDx Variant Classification (06012015). Collection method: clinical testing. Allele origin: germline. Affected: yes.
Comment: This variant is considered likely benign or benign based on one or more of the following criteria: it is a conservative change, it occurs at a poorly conserved position in the protein, it is predicted to be benign by multiple in silico algorithms, and/or has population frequency not consistent with disease.

Breakthrough Genomics
Classification: Benign. Review status: criteria provided, single submitter. Criteria: ACMG Guidelines, 2015. Collection method: not provided. Allele origin: germline. Inheritance: Autosomal recessive inheritance. Affected: yes.